The following is an entry in ClinVar:

ClinVar aggregate classification (germline): Uncertain significance (1 of 4 stars; one submission).

Submission:

Ambry Genetics
Classification: Uncertain significance. Last evaluated: 2025-01-06. Review status: criteria provided, single submitter. Criteria: Ambry Variant Classification Scheme 2023. Collection method: clinical testing. Allele origin: germline.
Comment: The p.E1668D variant (also known as c.5004G>C), located in coding exon 37 of the MYOM1 gene, results from a G to C substitution at nucleotide position 5004. The glutamic acid at codon 1668 is replaced by aspartic acid, an amino acid with highly similar properties. This amino acid position is conserved. In addition, this alteration is predicted to be tolerated by in silico analysis. Based on the available evidence, the clinical significance of this variant remains unclear.

NM_003803.4(MYOM1):c.5004G>C (p.Glu1668Asp)

Gene: MYOM1 (myomesin 1; minus strand). Cytogenetic location: 18p11.31.
Variant type: single nucleotide variant.
Coding change: c.5004G>C on transcript NM_003803.4 (MANE Select); coding-DNA position 5004, G replaced by C.
Protein change: p.Glu1668Asp; replaces glutamic acid 1668 with aspartic acid.
Molecular consequence: missense variant.
Genome position (GRCh38, 1-based): chr18:3,067,316, C>G on the plus strand (G>C on the coding strand, the complement: MYOM1 is on the minus strand). VCF-style: chr18-3067316-C-G. GRCh37 (hg19) VCF-style: chr18-3067314-C-G.
Other names: c.4716G>C, p.Glu1572Asp (NM_019856.2); short protein forms E1572D, E1668D.
Identifiers: ClinVar variation 3877135 (VCV003877135.1).